The following is an entry in ClinVar:

NM_000091.5(COL4A3):c.4108G>A (p.Gly1370Arg)

Genes: COL4A3 (collagen type IV alpha 3 chain; plus strand), MFF-DT (MFF divergent transcript; minus strand). Cytogenetic location: 2q36.3.
Variant type: single nucleotide variant.
Coding change: c.4108G>A on transcript NM_000091.5 (MANE Select); coding-DNA position 4108, G replaced by A.
Protein change: p.Gly1370Arg; replaces glycine 1370 with arginine.
Molecular consequence: missense variant.
Genome position (GRCh38, 1-based): chr2:227,304,099, G>A. VCF-style: chr2-227304099-G-A. GRCh37 (hg19) VCF-style: chr2-228168815-G-A.
Other names: short protein forms G1370R.
Identifiers: ClinVar variation 3061892 (VCV003061892.2), dbSNP rs1431769783, ClinGen allele CA350862939.

ClinVar aggregate classification (germline): Conflicting classifications of pathogenicity. Review status: criteria provided, conflicting classifications (1 of 4 stars). 2 submissions from 2 submitters: Likely pathogenic (1); Uncertain significance (1). Last evaluated 2023-10-20.

Conditions:
Autosomal dominant Alport syndrome (ATS3A). Also called: ALPORT SYNDROME 3A, AUTOSOMAL DOMINANT; Alport syndrome dominant type; Renal failure and sensorineural hearing loss. Identifiers: Orphanet 63, Orphanet 88918, MedGen C5882663, MONDO:0007086, OMIM 104200.

gnomAD v4.1: 1 of 1,614,134 alleles (0.000062%); highest among the groups gnomAD compares: Non-Finnish European, 0.000085%; no homozygotes.

Submissions (2):

Blueprint Genetics
Classification: Uncertain significance. Last evaluated: 2023-10-20. Review status: criteria provided, single submitter. Criteria: ACMG Guidelines, 2015. Collection method: clinical testing. Allele origin: germline.

MVZ Medizinische Genetik Mainz
Classification: Likely pathogenic for Autosomal dominant Alport syndrome. Last evaluated: 2023-06-23. Review status: criteria provided, single submitter. Criteria: UK Practice Guidelines For Variant Classification V4 01 2020. Collection method: clinical testing. Allele origin: germline. Inheritance: Autosomal dominant inheritance. Affected: yes. Observed: 1 variant allele.
Comment: PM1_STR,PM2_SUP,PP3,PP4